The following is an entry in ClinVar:

NM_000642.3(AGL):c.3640G>A (p.Gly1214Ser)

Gene: AGL (amylo-alpha-1,6-glucosidase and 4-alpha-glucanotransferase; plus strand). Cytogenetic location: 1p21.2.
Variant type: single nucleotide variant.
Coding change: c.3640G>A on transcript NM_000642.3 (MANE Select); coding-DNA position 3640, G replaced by A.
Protein change: p.Gly1214Ser; replaces glycine 1214 with serine.
Molecular consequence: missense variant.
Genome position (GRCh38, 1-based): chr1:99,902,734, G>A. VCF-style: chr1-99902734-G-A. GRCh37 (hg19) VCF-style: chr1-100368290-G-A.
Other names: c.3640G>A, p.Gly1214Ser (NM_000028.3, NM_000643.3, NM_000644.3 and 1 more transcripts); c.3592G>A, p.Gly1198Ser (NM_000646.3); c.3619G>A, p.Gly1207Ser (NM_001425326.1); c.3439G>A, p.Gly1147Ser (NM_001425327.1); c.3436G>A, p.Gly1146Ser (NM_001425328.1); c.3301G>A, p.Gly1101Ser (NM_001425329.1); c.3262G>A, p.Gly1088Ser (NM_001425332.1); short protein forms G1198S, G1214S, G1088S, G1101S, G1146S, G1147S, G1207S.
Identifiers: ClinVar variation 2171074 (VCV002171074.1), dbSNP rs2523735097, ClinGen allele CA341334748.
Genomic context (GRCh38, chr1:99,902,734, plus strand): 5'-CTCAAACAGGATCAGCCATTGTTTGAAGTCATACAGGAAGCAATGCAAAAACACATGCAG[G>A]GCATACAGTTCCGAGAAAGGAATGCTGGTCCCCAGATAGATCGAAACATGAAGGACGAAG-3'
Protein context (NP_000633.2, residues 1204-1224): IQEAMQKHMQ[Gly1214Ser]IQFRERNAGP

ClinVar aggregate classification (germline): Uncertain significance (1 of 4 stars; one submission).

Conditions:
Glycogen storage disease type III (GSD3). Also called: Cori disease; FORBES DISEASE. Identifiers: Orphanet 366, MedGen C0017922, MONDO:0009291, OMIM 232400.

Submission:

Labcorp Genetics (formerly Invitae), Labcorp
Classification: Uncertain significance for Glycogen storage disease type III. Last evaluated: 2022-05-25. Review status: criteria provided, single submitter. Criteria: Invitae Variant Classification Sherloc (09022015). Collection method: clinical testing. Allele origin: germline.
Comment: This sequence change replaces glycine, which is neutral and non-polar, with serine, which is neutral and polar, at codon 1214 of the AGL protein (p.Gly1214Ser). This variant is not present in population databases (gnomAD no frequency). This variant has not been reported in the literature in individuals affected with AGL-related conditions. Algorithms developed to predict the effect of missense changes on protein structure and function (SIFT, PolyPhen-2, Align-GVGD) all suggest that this variant is likely to be disruptive. In summary, the available evidence is currently insufficient to determine the role of this variant in disease. Therefore, it has been classified as a Variant of Uncertain Significance.